The following is an entry in ClinVar:

ClinVar aggregate classification (germline): Uncertain significance (1 of 4 stars; one submission).

Conditions:
Shprintzen-Goldberg syndrome (SGS). Also called: SHPRINTZEN-GOLDBERG CRANIOSYNOSTOSIS SYNDROME; CRANIOSYNOSTOSIS WITH ARACHNODACTYLY AND ABDOMINAL HERNIAS; Marfanoid disorder with craniosynostosis type 1; Marfanoid craniosynostosis syndrome; Shprintzen-Goldberg marfanoid syndrome. Identifiers: Orphanet 2462, MedGen C1321551, MONDO:0008426, OMIM 182212.

Allele frequency attached by ClinVar (database versions not stated): gnomAD exomes below 0.00001.
gnomAD v4.1: 1 of 1,597,702 alleles (0.000063%); highest among the groups gnomAD compares: Non-Finnish European, 0.000085%; no homozygotes.

Submission:

Labcorp Genetics (formerly Invitae), Labcorp
Classification: Uncertain significance for Shprintzen-Goldberg syndrome. Last evaluated: 2022-10-24. Review status: criteria provided, single submitter. Criteria: Invitae Variant Classification Sherloc (09022015). Collection method: clinical testing. Allele origin: germline.
Comment: In summary, the available evidence is currently insufficient to determine the role of this variant in disease. Therefore, it has been classified as a Variant of Uncertain Significance. Advanced modeling of protein sequence and biophysical properties (such as structural, functional, and spatial information, amino acid conservation, physicochemical variation, residue mobility, and thermodynamic stability) performed at Invitae indicates that this missense variant is not expected to disrupt SKI protein function. ClinVar contains an entry for this variant (Variation ID: 1422398). This variant has not been reported in the literature in individuals affected with SKI-related conditions. This variant is not present in population databases (gnomAD no frequency). This sequence change replaces methionine, which is neutral and non-polar, with valine, which is neutral and non-polar, at codon 627 of the SKI protein (p.Met627Val).

NM_003036.4(SKI):c.1879A>G (p.Met627Val)

Gene: SKI (SKI proto-oncogene; plus strand). Cytogenetic location: 1p36.32.
Variant type: single nucleotide variant.
Coding change: c.1879A>G on transcript NM_003036.4 (MANE Select); coding-DNA position 1879, A replaced by G.
Protein change: p.Met627Val; replaces methionine 627 with valine.
Molecular consequence: missense variant.
Genome position (GRCh38, 1-based): chr1:2,306,131, A>G. VCF-style: chr1-2306131-A-G. GRCh37 (hg19) VCF-style: chr1-2237570-A-G.
Other names: short protein forms M627V.
Identifiers: ClinVar variation 1422398 (VCV001422398.8), dbSNP rs2100924200, ClinGen allele CA337958877.